The following is an entry in ClinVar:

ClinVar aggregate classification (germline): Uncertain significance (1 of 4 stars; one submission).

Conditions:
Episodic ataxia type 2 (EA2). Also called: CEREBELLAR ATAXIA, PAROXYSMAL, ACETAZOLAMIDE-RESPONSIVE; CEREBELLOPATHY, HEREDITARY PAROXYSMAL; EPISODIC ATAXIA, NYSTAGMUS-ASSOCIATED; ACETAZOLAMIDE-RESPONSIVE HEREDITARY PAROXYSMAL CEREBELLAR ATAXIA; ATAXIA, EPISODIC, WITH NYSTAGMUS; ATAXIA, FAMILIAL PAROXYSMAL. Identifiers: Orphanet 97, MedGen C1720416, MONDO:0007163, OMIM 108500.
Developmental and epileptic encephalopathy, 42 (DEE42A). Also called: Epileptic encephalopathy, early infantile, 42; DEVELOPMENTAL AND EPILEPTIC ENCEPHALOPATHY 42A; EPILEPTIC ENCEPHALOPATHY, EARLY INFANTILE, 42A. Identifiers: MedGen C4310716, MONDO:0014917, OMIM 617106.

Submission:

Labcorp Genetics (formerly Invitae), Labcorp
Classification: Uncertain significance for Developmental and epileptic encephalopathy, 42; Episodic ataxia type 2. Last evaluated: 2024-02-02. Review status: criteria provided, single submitter. Criteria: Invitae Variant Classification Sherloc (09022015). Collection method: clinical testing. Allele origin: germline.
Comment: This sequence change replaces valine, which is neutral and non-polar, with isoleucine, which is neutral and non-polar, at codon 67 of the CACNA1A protein (p.Val67Ile). This variant is not present in population databases (gnomAD no frequency). This variant has not been reported in the literature in individuals affected with CACNA1A-related conditions. Advanced modeling of protein sequence and biophysical properties (such as structural, functional, and spatial information, amino acid conservation, physicochemical variation, residue mobility, and thermodynamic stability) performed at Invitae indicates that this missense variant is not expected to disrupt CACNA1A protein function with a negative predictive value of 95%. In summary, the available evidence is currently insufficient to determine the role of this variant in disease. Therefore, it has been classified as a Variant of Uncertain Significance.

NM_001127222.2(CACNA1A):c.199G>A (p.Val67Ile)

Gene: CACNA1A (calcium voltage-gated channel subunit alpha1 A; minus strand). Cytogenetic location: 19p13.13.
Variant type: single nucleotide variant.
Coding change: c.199G>A on transcript NM_001127222.2 (MANE Select); coding-DNA position 199, G replaced by A.
Protein change: p.Val67Ile; replaces valine 67 with isoleucine.
Molecular consequence: missense variant.
Genome position (GRCh38, 1-based): chr19:13,506,026, C>T on the plus strand (G>A on the coding strand, the complement: CACNA1A is on the minus strand). VCF-style: chr19-13506026-C-T. GRCh37 (hg19) VCF-style: chr19-13616840-C-T.
Other names: c.199G>A, p.Val67Ile (NM_000068.4, NM_001127221.2, NM_001174080.2 and 1 more transcripts); short protein forms V67I.
Identifiers: ClinVar variation 2935564 (VCV002935564.3), dbSNP rs1982994821, ClinGen allele CA404970991.
Genomic context (GRCh38, chr19:13,506,026, plus strand): 5'-CCACGTTGTCTTCGCTGAAGAGGAAGAGAGACCGGTTAACCGTGAGGCAGTTCTGTCGGA[C>T]GGGGATGGGGTTGTAGAGTGCCATGGTCCGCGCTCTCTGCGCCATTGACTGCTTGTACAT-3'
Protein context (NP_001120694.1, residues 57-77): RTMALYNPIP[Val67Ile]RQNCLTVNRS